The following is an entry in ClinVar:

NM_001271938.2(MEGF8):c.306A>G (p.Leu102=)

Gene: MEGF8 (multiple EGF like domains 8; plus strand). Cytogenetic location: 19q13.2.
Variant type: single nucleotide variant.
Coding change: c.306A>G on transcript NM_001271938.2 (MANE Select); coding-DNA position 306, A replaced by G.
Protein change: p.Leu102=; no amino-acid change (leucine 102 retained).
Molecular consequence: synonymous variant.
Genome position (GRCh38, 1-based): chr19:42,333,723, A>G. VCF-style: chr19-42333723-A-G. GRCh37 (hg19) VCF-style: chr19-42837875-A-G.
Other names: c.306A>G, p.Leu102= (NM_001410.3).
Identifiers: ClinVar variation 3035206 (VCV003035206.3), dbSNP rs771715982, ClinGen allele CA9474119.

ClinVar aggregate classification (germline): Likely benign. Review status: criteria provided, single submitter (1 of 4 stars). 2 submissions from 2 submitters: Likely benign (1). 1 of the submissions does not count toward it. Last evaluated 2025-09-14.

Conditions:
MEGF8-related disorder. Also called: MEGF8-related condition.
MEGF8-related Carpenter syndrome. Also called: Carpenter syndrome 2. Identifiers: Orphanet 65759, MedGen C3554247, MONDO:0013998, OMIM 614976.

Allele frequency attached by ClinVar (database versions not stated): ExAC 0.00001; gnomAD 0.00001; gnomAD exomes 0.00001; TOPMed 0.00001.
gnomAD v4.1: 4 of 1,613,938 alleles (0.00025%); highest among the groups gnomAD compares: East Asian, 0.0067%; no homozygotes.

Submissions (2):

Labcorp Genetics (formerly Invitae), Labcorp
Classification: Likely benign for MEGF8-related Carpenter syndrome. Last evaluated: 2025-09-14. Review status: criteria provided, single submitter. Criteria: Invitae Variant Classification Sherloc (09022015). Collection method: clinical testing. Allele origin: germline.

PreventionGenetics, part of Exact Sciences
Classification: Likely benign for MEGF8-related condition. Last evaluated: 2019-03-15. Review status: no assertion criteria provided. Collection method: clinical testing. Allele origin: germline. Not counted in ClinVar's aggregate classification.
Comment: This variant is classified as likely benign based on ACMG/AMP sequence variant interpretation guidelines (Richards et al. 2015 PMID: 25741868, with internal and published modifications).